The following is an entry in ClinVar:

NM_182961.4(SYNE1):c.16371A>C (p.Gln5457His)

Gene: SYNE1 (spectrin repeat containing nuclear envelope protein 1; minus strand). Cytogenetic location: 6q25.2.
Variant type: single nucleotide variant.
Coding change: c.16371A>C on transcript NM_182961.4 (MANE Select); coding-DNA position 16371, A replaced by C.
Protein change: p.Gln5457His; replaces glutamine 5457 with histidine.
Molecular consequence: missense variant.
Genome position (GRCh38, 1-based): chr6:152,318,881, T>G on the plus strand (A>C on the coding strand, the complement: SYNE1 is on the minus strand). VCF-style: chr6-152318881-T-G. GRCh37 (hg19) VCF-style: chr6-152640016-T-G.
Other names: c.16158A>C, p.Gln5386His (NM_033071.5); short protein forms Q5386H, Q5457H.
Identifiers: ClinVar variation 426261 (VCV000426261.8), dbSNP rs370002959, ClinGen allele CA4055536.
Genomic context (GRCh38, chr6:152,318,881, plus strand): 5'-TTTAATTCATTCAGTAGTACCCTTTAAAATTCTACTTCTTACCTTTTGGTCAGTTTTAGC[T>G]TGAACTACATTATCTGTCTTCGCTTTCAGCTTAGTTAGAATAGTTGTGAGGTCTTTAGCT-3'
Protein context (NP_892006.3, residues 5447-5467): KLKAKTDNVV[Gln5457His]AKTDQKVLGE

ClinVar aggregate classification (germline): Uncertain significance. Review status: criteria provided, multiple submitters, no conflicts (2 of 4 stars). 3 submissions from 3 submitters: Uncertain significance (3). Last evaluated 2024-07-24.

Conditions:
Autosomal recessive ataxia, Beauce type. Also called: ATAXIA, RECESSIVE, OF BEAUCE; Spinocerebellar ataxia, autosomal recessive 8; SYNE1 Deficiency; SYNE1-Related Autosomal Recessive Cerebellar Ataxia. Identifiers: Orphanet 88644, MedGen C1853116, MONDO:0012549, OMIM 610743.
Emery-Dreifuss muscular dystrophy 4, autosomal dominant (EDMD4). Also called: EMERY-DREIFUSS MUSCULAR DYSTROPHY 4 WITH VARIABLE FEATURES. Identifiers: Orphanet 261, MedGen C2751807, MONDO:0013071, OMIM 612998.

Allele frequency attached by ClinVar (database versions not stated): ExAC 0.00001; gnomAD exomes 0.00001 and 0.00002; gnomAD 0.00002; TOPMed 0.00002; ESP Exome Variant Server 0.00008.
gnomAD v4.1: 25 of 1,614,110 alleles (0.0015%); highest among the groups gnomAD compares: Non-Finnish European, 0.002%; no homozygotes.

Submissions (3):

Blueprint Genetics
Classification: Uncertain significance. Last evaluated: 2024-07-24. Review status: criteria provided, single submitter. Criteria: ACMG Guidelines, 2015. Collection method: clinical testing. Allele origin: germline.

Labcorp Genetics (formerly Invitae), Labcorp
Classification: Uncertain significance for Emery-Dreifuss muscular dystrophy 4, autosomal dominant; Autosomal recessive ataxia, Beauce type. Last evaluated: 2021-08-30. Review status: criteria provided, single submitter. Criteria: Invitae Variant Classification Sherloc (09022015). Collection method: clinical testing. Allele origin: germline.
Comment: This sequence change replaces glutamine with histidine at codon 5386 of the SYNE1 protein (p.Gln5386His). The glutamine residue is highly conserved and there is a small physicochemical difference between glutamine and histidine. This variant is present in population databases (rs370002959, ExAC 0.01%). This variant has not been reported in the literature in individuals affected with SYNE1-related conditions. ClinVar contains an entry for this variant (Variation ID: 426261). Algorithms developed to predict the effect of missense changes on protein structure and function (SIFT, PolyPhen-2, Align-GVGD) all suggest that this variant is likely to be tolerated. In summary, the available evidence is currently insufficient to determine the role of this variant in disease. Therefore, it has been classified as a Variant of Uncertain Significance.

GeneDx
Classification: Uncertain significance. Last evaluated: 2017-04-24. Review status: criteria provided, single submitter. Criteria: GeneDx Variant Classification (06012015). Collection method: clinical testing. Allele origin: germline. Affected: yes.
Comment: A variant of uncertain significance has been identified in the SYNE1 gene. The Q5386H variant has not been published as a pathogenic variant, nor has it been reported as a benign variant to our knowledge. The Q5386H variant is not observed in large population cohorts (Lek et al., 2016; 1000 Genomes Consortium et al., 2015; Exome Variant Server). The Q5386H variant is a semi-conservative amino acid substitution, which may impact secondary protein structure as these residues differ in some properties. This substitution occurs at a position that is not conserved. In silico analysis is inconsistent in its predictions as to whether or not the variant is damaging to the protein structure/function. Therefore, based on the currently available information, it is unclear whether this variant is a pathogenic variant or a rare benign variant.